The following is an entry in ClinVar:

NM_000179.3(MSH6):c.1948G>T (p.Gly650Cys)

Gene: MSH6 (mutS homolog 6; plus strand). Cytogenetic location: 2p16.3.
Variant type: single nucleotide variant.
Coding change: c.1948G>T on transcript NM_000179.3 (MANE Select); coding-DNA position 1948, G replaced by T.
Protein change: p.Gly650Cys; replaces glycine 650 with cysteine.
Molecular consequence: missense variant.
Genome position (GRCh38, 1-based): chr2:47,799,931, G>T. VCF-style: chr2-47799931-G-T. GRCh37 (hg19) VCF-style: chr2-48027070-G-T.
Other names: c.1558G>T, p.Gly520Cys (NM_001281492.2); c.1042G>T, p.Gly348Cys (NM_001281493.2, NM_001281494.2, NM_001406811.1 and 6 more transcripts); c.2044G>T, p.Gly682Cys (NM_001406795.1, NM_001406802.1); c.1948G>T, p.Gly650Cys (NM_001406796.1, NM_001406798.1, NM_001406800.1 and 3 more transcripts); c.1651G>T, p.Gly551Cys (NM_001406797.1, NM_001406801.1, NM_001406805.1 and 10 more transcripts); c.1423G>T, p.Gly475Cys (NM_001406799.1, NM_001406806.1, NM_001406807.1); c.1870G>T, p.Gly624Cys (NM_001406804.1); c.1954G>T, p.Gly652Cys (NM_001406813.1); and 1 more; short protein forms G520C, G551C, G650C, G682C, G475C, G594C, G624C, G348C.
Identifiers: ClinVar variation 1783163 (VCV001783163.2), dbSNP rs2530640499, ClinGen allele CA346750520.

ClinVar aggregate classification (germline): Uncertain significance (1 of 4 stars; one submission).

Conditions:
Hereditary cancer-predisposing syndrome. Also called: Neoplastic Syndromes, Hereditary; Tumor predisposition; Hereditary Cancer Syndrome; Hereditary neoplastic syndrome. Identifiers: Orphanet 140162, MedGen C0027672, MeSH D009386, MONDO:0015356.

Submission:

Ambry Genetics
Classification: Uncertain significance for Hereditary cancer-predisposing syndrome. Last evaluated: 2022-03-29. Review status: criteria provided, single submitter. Criteria: Ambry Variant Classification Scheme 2023. Collection method: clinical testing. Allele origin: germline.
Comment: The p.G650C variant (also known as c.1948G>T), located in coding exon 4 of the MSH6 gene, results from a G to T substitution at nucleotide position 1948. The glycine at codon 650 is replaced by cysteine, an amino acid with highly dissimilar properties. This amino acid position is conserved. In addition, the in silico prediction for this alteration is inconclusive. Since supporting evidence is limited at this time, the clinical significance of this alteration remains unclear.